The following is an entry in ClinVar:

NM_170784.3(MKKS):c.747C>T (p.Ser249=)

Gene: MKKS (MKKS centrosomal shuttling protein; minus strand). Cytogenetic location: 20p12.2.
Variant type: single nucleotide variant.
Coding change: c.747C>T on transcript NM_170784.3 (MANE Select); coding-DNA position 747, C replaced by T.
Protein change: p.Ser249=; no amino-acid change (serine 249 retained).
Molecular consequence: synonymous variant.
Genome position (GRCh38, 1-based): chr20:10,412,768, G>A on the plus strand (C>T on the coding strand, the complement: MKKS is on the minus strand). VCF-style: chr20-10412768-G-A. GRCh37 (hg19) VCF-style: chr20-10393416-G-A.
Other names: c.747C>T, p.Ser249= (NM_018848.3).
Identifiers: ClinVar variation 1649948 (VCV001649948.9), dbSNP rs187543885, ClinGen allele CA9763636.

ClinVar aggregate classification (germline): Likely benign. Review status: criteria provided, single submitter (1 of 4 stars). 2 submissions from 2 submitters: Likely benign (1). 1 of the submissions does not count toward it. Last evaluated 2024-03-17.

Conditions:
MKKS-related disorder. Also called: MKKS-related disorders; MKKS-related condition.
Bardet-Biedl syndrome (BBS). Identifiers: Orphanet 110, MedGen C0752166, MONDO:0015229.
McKusick-Kaufman syndrome (MKKS). Also called: HYDROMETROCOLPOS SYNDROME; HYDROMETROCOLPOS, POSTAXIAL POLYDACTYLY, AND CONGENITAL HEART MALFORMATION. Identifiers: Orphanet 2473, MedGen C0948368, MONDO:0009367, OMIM 236700.

Allele frequency attached by ClinVar (database versions not stated): gnomAD 0.00001; gnomAD exomes 0.00002 and 0.00004; ExAC 0.00004; 1000 Genomes Project 30x 0.00016; 1000 Genomes Project 0.00020.
gnomAD v4.1: 68 of 1,614,116 alleles (0.0042%); highest among the groups gnomAD compares: Non-Finnish European, 0.0052%; no homozygotes.

Submissions (2):

Labcorp Genetics (formerly Invitae), Labcorp
Classification: Likely benign for McKusick-Kaufman syndrome; Bardet-Biedl syndrome. Last evaluated: 2024-03-17. Review status: criteria provided, single submitter. Criteria: Invitae Variant Classification Sherloc (09022015). Collection method: clinical testing. Allele origin: germline.

PreventionGenetics, part of Exact Sciences
Classification: Likely benign for MKKS-related condition. Last evaluated: 2021-05-05. Review status: no assertion criteria provided. Collection method: clinical testing. Allele origin: germline. Not counted in ClinVar's aggregate classification.
Comment: This variant is classified as likely benign based on ACMG/AMP sequence variant interpretation guidelines (Richards et al. 2015 PMID: 25741868, with internal and published modifications).